The following is an entry in ClinVar:

ClinVar aggregate classification (germline): Uncertain significance. Review status: criteria provided, multiple submitters, no conflicts (2 of 4 stars). 2 submissions from 2 submitters: Uncertain significance (2). Last evaluated 2026-08-27.

Conditions:
Inborn genetic diseases. Identifiers: MedGen C0950123, MeSH D030342.

Allele frequency attached by ClinVar (database versions not stated): gnomAD exomes below 0.00001; ExAC 0.00002.
gnomAD v4.1: 2 of 1,599,448 alleles (0.00013%); highest among the groups gnomAD compares: Non-Finnish European, 0.00017%; no homozygotes.

Submissions (2):

Ambry Genetics
Classification: Uncertain significance for Inborn genetic diseases. Last evaluated: 2026-08-27. Review status: criteria provided, single submitter. Criteria: Ambry Variant Classification Scheme 2023. Collection method: clinical testing. Allele origin: germline.
Comment: The c.3740C>T (p.P1247L) alteration is located in exon 42 (coding exon 42) of the COL4A1 gene. This alteration results from a C to T substitution at nucleotide position 3740, causing the proline (P) at amino acid position 1247 to be replaced by a leucine (L). Based on data from gnomAD, the T allele has an overall frequency of <0.001% (1/222810) total alleles studied. The highest observed frequency was 0.001% (1/96902) of European (non-Finnish) alleles. Based on insufficient or conflicting evidence, the clinical significance of this alteration remains unclear.

Labcorp Genetics (formerly Invitae), Labcorp
Classification: Uncertain significance. Last evaluated: 2025-09-03. Review status: criteria provided, single submitter. Criteria: Invitae Variant Classification Sherloc (09022015). Collection method: clinical testing. Allele origin: germline.
Comment: This sequence change replaces proline, which is neutral and non-polar, with leucine, which is neutral and non-polar, at codon 1247 of the COL4A1 protein (p.Pro1247Leu). The frequency data for this variant in the population databases is considered unreliable, as metrics indicate poor data quality at this position in the gnomAD database. This variant has not been reported in the literature in individuals affected with COL4A1-related conditions. ClinVar contains an entry for this variant (Variation ID: 2697058). An algorithm developed to predict the effect of missense changes on protein structure and function (PolyPhen-2) suggests that this variant is likely to be disruptive. In summary, the available evidence is currently insufficient to determine the role of this variant in disease. Therefore, it has been classified as a Variant of Uncertain Significance.

NM_001845.6(COL4A1):c.3740C>T (p.Pro1247Leu)

Gene: COL4A1 (collagen type IV alpha 1 chain; minus strand). Cytogenetic location: 13q34.
Variant type: single nucleotide variant.
Coding change: c.3740C>T on transcript NM_001845.6 (MANE Select); coding-DNA position 3740, C replaced by T.
Protein change: p.Pro1247Leu; replaces proline 1247 with leucine.
Molecular consequence: missense variant.
Genome position (GRCh38, 1-based): chr13:110,170,549, G>A on the plus strand (C>T on the coding strand, the complement: COL4A1 is on the minus strand). VCF-style: chr13-110170549-G-A. GRCh37 (hg19) VCF-style: chr13-110822896-G-A.
Other names: c.3740C>T (NM_001845.4); short protein forms P1247L.
Identifiers: ClinVar variation 2697058 (VCV002697058.4), dbSNP rs760613428, ClinGen allele CA7047163.
Genomic context (GRCh38, chr13:110,170,549, plus strand): 5'-TTCCTTTTGTGAATTCTGTCCCAGTCCTCAGCCCTGGCCCCTGGCGAGATGCCCTTACCT[G>A]GCAGGCCAGGCTGGCCCTGAGGTCCGCGGTCTCCTTTGGGCCCCTCCGTGGCATGGCCTG-3'
Protein context (NP_001836.3, residues 1237-1257): DRGPQGQPGL[Pro1247Leu]GLPGPMGPPG